The following is an entry in ClinVar:

ClinVar aggregate classification (germline): Pathogenic. Review status: criteria provided, multiple submitters, no conflicts (2 of 4 stars). 2 submissions from 2 submitters: Pathogenic (2). Last evaluated 2025-05-05.

Conditions:
Usher syndrome type 1 (USH1). Also called: RETINITIS PIGMENTOSA AND CONGENITAL DEAFNESS. Identifiers: Orphanet 231169, Orphanet 886, MedGen C1568247, MONDO:0010168, OMIM 276900.

Submissions (2):

Myriad Genetics, Inc.
Classification: Pathogenic for Usher syndrome type 1. Last evaluated: 2025-05-05. Review status: criteria provided, single submitter. Criteria: Myriad Autosomal Dominant, Autosomal Recessive and X-Linked Classification Criteria (2023). Collection method: clinical testing. Allele origin: unknown.
Comment: NM_000260.3(MYO7A):c.5035G>T(E1679*) is expected to be pathogenic in the context of MYO7A-related disorders. This variant is predicted to lead to an abnormal or absent protein product due to the creation of a premature termination codon in MYO7A, a gene where loss-of-function variants are known to be pathogenic. Please note: this variant was assessed in the context of healthy population screening.

Labcorp Genetics (formerly Invitae), Labcorp
Classification: Pathogenic. Last evaluated: 2024-02-24. Review status: criteria provided, single submitter. Criteria: Invitae Variant Classification Sherloc (09022015). Collection method: clinical testing. Allele origin: germline.
Comment: This sequence change creates a premature translational stop signal (p.Glu1679*) in the MYO7A gene. It is expected to result in an absent or disrupted protein product. Loss-of-function variants in MYO7A are known to be pathogenic (PMID: 8900236, 25404053). This variant is not present in population databases (gnomAD no frequency). This variant has not been reported in the literature in individuals affected with MYO7A-related conditions. ClinVar contains an entry for this variant (Variation ID: 2091515). Algorithms developed to predict the effect of sequence changes on RNA splicing suggest that this variant may create or strengthen a splice site. For these reasons, this variant has been classified as Pathogenic.

Literature cited by the submitters: PubMed 8900236 (cited by Labcorp Genetics (formerly Invitae), Labcorp); PubMed 25404053 (cited by Labcorp Genetics (formerly Invitae), Labcorp).

NM_000260.4(MYO7A):c.5035G>T (p.Glu1679Ter)

Gene: MYO7A (myosin VIIA; plus strand). Cytogenetic location: 11q13.5.
Variant type: single nucleotide variant.
Coding change: c.5035G>T on transcript NM_000260.4 (MANE Select); coding-DNA position 5035, G replaced by T.
Protein change: p.Glu1679Ter; replaces glutamic acid 1679 with a stop codon.
Molecular consequence: nonsense.
Genome position (GRCh38, 1-based): chr11:77,201,630, G>T. VCF-style: chr11-77201630-G-T. GRCh37 (hg19) VCF-style: chr11-76912675-G-T.
Other names: c.4921G>T, p.Glu1641Ter (NM_001127180.2); c.4888G>T, p.Glu1630Ter (NM_001369365.1); short protein forms E1641*, E1679*, E1630*.
Identifiers: ClinVar variation 2091515 (VCV002091515.5), dbSNP rs2497634855, ClinGen allele CA381951475.